The following is an entry in ClinVar:

ClinVar aggregate classification (germline): Likely benign. Review status: criteria provided, single submitter (1 of 4 stars). 2 submissions from 2 submitters: Likely benign (1). 1 of the submissions does not count toward it. Last evaluated 2024-09-18.

Conditions:
GAB1-related disorder. Also called: GAB1-related condition.

Allele frequency attached by ClinVar (database versions not stated): ExAC 0.00138; 1000 Genomes Project 30x 0.00312; 1000 Genomes Project 0.00339; gnomAD 0.00354; ESP Exome Variant Server 0.00369; TOPMed 0.00396.
gnomAD v4.1: 1,032 of 1,573,366 alleles (0.066%); highest among the groups gnomAD compares: African/African-American, 1.2%; 7 homozygotes.

Submissions (2):

Blueprint Genetics
Classification: Likely benign. Last evaluated: 2024-09-18. Review status: criteria provided, single submitter. Criteria: ACMG Guidelines, 2015. Collection method: clinical testing. Allele origin: germline.

PreventionGenetics, part of Exact Sciences
Classification: Benign for GAB1-related condition. Last evaluated: 2019-04-24. Review status: no assertion criteria provided. Collection method: clinical testing. Allele origin: germline. Not counted in ClinVar's aggregate classification.
Comment: This variant is classified as benign based on ACMG/AMP sequence variant interpretation guidelines (Richards et al. 2015 PMID: 25741868, with internal and published modifications).

NM_002039.4(GAB1):c.1586-1635C>T

Gene: GAB1 (GRB2 associated binding protein 1; plus strand). Cytogenetic location: 4q31.21.
Variant type: single nucleotide variant.
Coding change: c.1586-1635C>T on transcript NM_002039.4 (MANE Select); 1635 bases into the intron before coding-DNA position 1586, C replaced by T.
Molecular consequence: intron variant. On other transcripts: synonymous variant (1).
Genome position (GRCh38, 1-based): chr4:143,457,750, C>T. VCF-style: chr4-143457750-C-T. GRCh37 (hg19) VCF-style: chr4-144378903-C-T.
Other names: c.1656C>T, p.Asp552= (NM_207123.3).
Identifiers: ClinVar variation 3052468 (VCV003052468.3), dbSNP rs149207147, ClinGen allele CA3090655.
Genomic context (GRCh38, chr4:143,457,750, plus strand): 5'-TAAAATTTTAAGACTCAAACCCCATGGTTTAGAGCGAACTGATTCACAAACCATAGGTGA[C>T]TTTGCTACAAGAAGAAAGGGTATGTACTTTAGCACCGCATGCTGTATGGGGCATTGGGAA-3'